The following is an entry in ClinVar:

ClinVar aggregate classification (germline): Uncertain significance (1 of 4 stars; one submission).

Submission:

GeneDx
Classification: Uncertain significance. Last evaluated: 2026-02-24. Review status: criteria provided, single submitter. Criteria: GeneDx Variant Classification Process June 2021. Collection method: clinical testing. Allele origin: germline.
Comment: Not observed at significant frequency in large population cohorts (gnomAD); In silico analysis suggests that this missense variant does not alter protein structure/function; Has not been previously published as pathogenic or benign to our knowledge

NM_003458.4(BSN):c.9296G>A (p.Ser3099Asn)

Gene: BSN (bassoon presynaptic cytomatrix protein; plus strand). Cytogenetic location: 3p21.31.
Variant type: single nucleotide variant.
Coding change: c.9296G>A on transcript NM_003458.4 (MANE Select); coding-DNA position 9296, G replaced by A.
Protein change: p.Ser3099Asn; replaces serine 3099 with asparagine.
Molecular consequence: missense variant.
Genome position (GRCh38, 1-based): chr3:49,661,141, G>A. VCF-style: chr3-49661141-G-A. GRCh37 (hg19) VCF-style: chr3-49698574-G-A.
Other names: short protein forms S3099N.
Identifiers: ClinVar variation 5010126 (VCV005010126.1).
Genomic context (GRCh38, chr3:49,661,141, plus strand): 5'-AGGCCCCCACCTACCCTGGCCCCAGCACGTACCCAGCTCCTGCCTTTCCTCCTGGTGCCA[G>A]TTACCCAGCTGAGCCTGGCCTGCCAAACCAGCAGGCTTTCCGCCCCACAGGCCACTATGC-3'
Protein context (NP_003449.2, residues 3089-3109): YPAPAFPPGA[Ser3099Asn]YPAEPGLPNQ